The following is an entry in ClinVar:

NM_033026.6(PCLO):c.218C>A (p.Pro73Gln)

Gene: PCLO (piccolo presynaptic cytomatrix protein; minus strand). Cytogenetic location: 7q21.11.
Variant type: single nucleotide variant.
Coding change: c.218C>A on transcript NM_033026.6 (MANE Select); coding-DNA position 218, C replaced by A.
Protein change: p.Pro73Gln; replaces proline 73 with glutamine.
Molecular consequence: missense variant.
Genome position (GRCh38, 1-based): chr7:83,162,375, G>T on the plus strand (C>A on the coding strand, the complement: PCLO is on the minus strand). VCF-style: chr7-83162375-G-T. GRCh37 (hg19) VCF-style: chr7-82791691-G-T.
Other names: c.218C>A, p.Pro73Gln (NM_014510.3); short protein forms P73Q.
Identifiers: ClinVar variation 500349 (VCV000500349.10), dbSNP rs370346756, ClinGen allele CA4321733.
Genomic context (GRCh38, chr7:83,162,375, plus strand): 5'-GCCCGGACATATACATCATGCTGTGCATGCCTGTGCATGGAAGGCGACTCCGCAGCGGCC[G>T]GGGGGACGCTTCCCTTGGGCAGCCCCTGCGCCCTTGACATGACAGCGGCGATCTGTCTCC-3'
Protein context (NP_149015.2, residues 63-83): AQGLPKGSVP[Pro73Gln]AAAESPSMHR

ClinVar aggregate classification (germline): Uncertain significance. Review status: criteria provided, multiple submitters, no conflicts (2 of 4 stars). 2 submissions from 2 submitters: Uncertain significance (2). Last evaluated 2025-12-26.

Allele frequency attached by ClinVar (database versions not stated): ExAC 0.00020; ESP Exome Variant Server 0.00024; 1000 Genomes Project 0.00040; gnomAD 0.00041 and 0.00042; TOPMed 0.00048; 1000 Genomes Project 30x 0.00078.
gnomAD v4.1: 116 of 1,599,544 alleles (0.0073%); highest among the groups gnomAD compares: African/African-American, 0.12%; no homozygotes.

Submissions (2):

Labcorp Genetics (formerly Invitae), Labcorp
Classification: Uncertain significance. Last evaluated: 2025-12-26. Review status: criteria provided, single submitter. Criteria: Invitae Variant Classification Sherloc (09022015). Collection method: clinical testing. Allele origin: germline.
Comment: This sequence change replaces proline, which is neutral and non-polar, with glutamine, which is neutral and polar, at codon 73 of the PCLO protein (p.Pro73Gln). This variant is present in population databases (rs370346756, gnomAD 0.2%). This variant has not been reported in the literature in individuals affected with PCLO-related conditions. ClinVar contains an entry for this variant (Variation ID: 500349). Experimental studies and prediction algorithms are not available or were not evaluated, and the functional significance of this variant is currently unknown. In summary, the available evidence is currently insufficient to determine the role of this variant in disease. Therefore, it has been classified as a Variant of Uncertain Significance.

Eurofins Ntd Llc (ga)
Classification: Uncertain significance. Last evaluated: 2017-02-06. Review status: criteria provided, single submitter. Criteria: EGL Classification Definitions 2015. Collection method: clinical testing. Allele origin: germline. Observed: 1 variant allele, 1 heterozygote.